The following is an entry in ClinVar:

ClinVar aggregate classification (germline): Uncertain significance (1 of 4 stars; one submission).

Allele frequency attached by ClinVar (database versions not stated): gnomAD exomes 0.00003 and 0.00006; ExAC 0.00006; TOPMed 0.00008; gnomAD 0.00011 and 0.00012.
gnomAD v4.1: 61 of 1,611,098 alleles (0.0038%); highest among the groups gnomAD compares: African/African-American, 0.044%; no homozygotes.

Submission:

Labcorp Genetics (formerly Invitae), Labcorp
Classification: Uncertain significance. Last evaluated: 2024-10-26. Review status: criteria provided, single submitter. Criteria: Invitae Variant Classification Sherloc (09022015). Collection method: clinical testing. Allele origin: germline.
Comment: This sequence change replaces threonine, which is neutral and polar, with methionine, which is neutral and non-polar, at codon 851 of the UNC45A protein (p.Thr851Met). This variant is present in population databases (rs762910481, gnomAD 0.04%). This variant has not been reported in the literature in individuals affected with UNC45A-related conditions. ClinVar contains an entry for this variant (Variation ID: 1450719). Invitae Evidence Modeling of protein sequence and biophysical properties (such as structural, functional, and spatial information, amino acid conservation, physicochemical variation, residue mobility, and thermodynamic stability) indicates that this missense variant is not expected to disrupt UNC45A protein function with a negative predictive value of 80%. In summary, the available evidence is currently insufficient to determine the role of this variant in disease. Therefore, it has been classified as a Variant of Uncertain Significance.

NM_018671.5(UNC45A):c.2552C>T (p.Thr851Met)

Genes: RCCD1-AS1 (RCCD1 and UNC45A antisense RNA 1; minus strand), UNC45A (unc-45 myosin chaperone A; plus strand). Cytogenetic location: 15q26.1.
Variant type: single nucleotide variant.
Coding change: c.2552C>T on transcript NM_018671.5 (MANE Select); coding-DNA position 2552, C replaced by T.
Protein change: p.Thr851Met; replaces threonine 851 with methionine.
Molecular consequence: missense variant.
Genome position (GRCh38, 1-based): chr15:90,953,285, C>T. VCF-style: chr15-90953285-C-T. GRCh37 (hg19) VCF-style: chr15-91496515-C-T.
Other names: c.2507C>T, p.Thr836Met (NM_001039675.2, NM_001323621.2); c.2552C>T, p.Thr851Met (NM_001323619.1); c.2117C>T, p.Thr706Met (NM_001323620.2); short protein forms T836M, T851M, T706M.
Identifiers: ClinVar variation 1450719 (VCV001450719.4), dbSNP rs762910481, ClinGen allele CA7743329.